The following is an entry in ClinVar:

ClinVar aggregate classification (germline): Uncertain significance. Review status: criteria provided, multiple submitters, no conflicts (2 of 4 stars). 3 submissions from 3 submitters: Uncertain significance (3). Last evaluated 2025-06-16.

Conditions:
Hereditary cancer-predisposing syndrome. Also called: Tumor predisposition; Neoplastic Syndromes, Hereditary; Hereditary Cancer Syndrome; Hereditary neoplastic syndrome. Identifiers: Orphanet 140162, MedGen C0027672, MeSH D009386, MONDO:0015356.
POLD1-related polyposis and colorectal cancer syndrome (CRCS10). Also called: Colorectal cancer 10; COLORECTAL CANCER, SUSCEPTIBILITY TO, ON CHROMOSOME 19q; Colorectal cancer, susceptibility to, 10. Identifiers: Orphanet 220460, MedGen C2675481, MONDO:0012953, OMIM 612591.

Allele frequency attached by ClinVar (database versions not stated): gnomAD exomes below 0.00001; ExAC 0.00001; gnomAD 0.00001; TOPMed 0.00003; ESP Exome Variant Server 0.00008.
gnomAD v4.1: 3 of 1,613,712 alleles (0.00019%); highest among the groups gnomAD compares: African/African-American, 0.0027%; no homozygotes.

Submissions (3):

Labcorp Genetics (formerly Invitae), Labcorp
Classification: Uncertain significance for POLD1-related polyposis and colorectal cancer syndrome. Last evaluated: 2025-06-16. Review status: criteria provided, single submitter. Criteria: Invitae Variant Classification Sherloc (09022015). Collection method: clinical testing. Allele origin: germline.
Comment: This sequence change replaces threonine, which is neutral and polar, with proline, which is neutral and non-polar, at codon 649 of the POLD1 protein (p.Thr649Pro). This variant is not present in population databases (gnomAD no frequency). This variant has not been reported in the literature in individuals affected with POLD1-related conditions. ClinVar contains an entry for this variant (Variation ID: 571966). Invitae Evidence Modeling of protein sequence and biophysical properties (such as structural, functional, and spatial information, amino acid conservation, physicochemical variation, residue mobility, and thermodynamic stability) indicates that this missense variant is not expected to disrupt POLD1 protein function with a negative predictive value of 80%. In summary, the available evidence is currently insufficient to determine the role of this variant in disease. Therefore, it has been classified as a Variant of Uncertain Significance.

GeneDx
Classification: Uncertain significance. Last evaluated: 2025-02-02. Review status: criteria provided, single submitter. Criteria: GeneDx Variant Classification Process June 2021. Collection method: clinical testing. Allele origin: germline.
Comment: Not observed at significant frequency in large population cohorts (gnomAD); In silico analysis indicates that this missense variant does not alter protein structure/function; Has not been previously published as pathogenic or benign to our knowledge; This variant is associated with the following publications: (PMID: 20951805)

Ambry Genetics
Classification: Uncertain significance for Hereditary cancer-predisposing syndrome. Last evaluated: 2023-12-14. Review status: criteria provided, single submitter. Criteria: Ambry Variant Classification Scheme 2023. Collection method: clinical testing. Allele origin: germline.
Comment: The p.T649P variant (also known as c.1945A>C), located in coding exon 15 of the POLD1 gene, results from an A to C substitution at nucleotide position 1945. The threonine at codon 649 is replaced by proline, an amino acid with highly similar properties. This amino acid position is conserved. In addition, this alteration is predicted to be tolerated by in silico analysis. Since supporting evidence is limited at this time, the clinical significance of this alteration remains unclear.

NM_002691.4(POLD1):c.1945A>C (p.Thr649Pro)

Gene: POLD1 (DNA polymerase delta 1, catalytic subunit; plus strand). Cytogenetic location: 19q13.33.
Variant type: single nucleotide variant.
Coding change: c.1945A>C on transcript NM_002691.4 (MANE Select); coding-DNA position 1945, A replaced by C.
Protein change: p.Thr649Pro; replaces threonine 649 with proline.
Molecular consequence: missense variant. On other transcripts: non-coding transcript variant (1).
Genome position (GRCh38, 1-based): chr19:50,409,174, A>C. VCF-style: chr19-50409174-A-C. GRCh37 (hg19) VCF-style: chr19-50912431-A-C.
Other names: c.1945A>C, p.Thr649Pro (NM_001256849.1); c.2023A>C, p.Thr675Pro (NM_001308632.1); short protein forms T649P, T675P.
Identifiers: ClinVar variation 571966 (VCV000571966.13), dbSNP rs146228659, ClinGen allele CA9596335.